The following is an entry in ClinVar:

NM_000051.4(ATM):c.8720C>A (p.Pro2907His)

Genes: ATM (ATM serine/threonine kinase; plus strand), C11orf65 (chromosome 11 open reading frame 65; minus strand). Cytogenetic location: 11q22.3.
Variant type: single nucleotide variant.
Coding change: c.8720C>A on transcript NM_000051.4 (MANE Select); coding-DNA position 8720, C replaced by A.
Protein change: p.Pro2907His; replaces proline 2907 with histidine.
Molecular consequence: missense variant. On other transcripts: intron variant (2).
Genome position (GRCh38, 1-based): chr11:108,353,814, C>A. VCF-style: chr11-108353814-C-A. GRCh37 (hg19) VCF-style: chr11-108224541-C-A.
Other names: c.8720C>A, p.Pro2907His (NM_001351834.2); c.640+32106G>T (NM_001330368.2); c.695-18522G>T (NM_001351110.2); short protein forms P2907H.
Identifiers: ClinVar variation 524417 (VCV000524417.9), dbSNP rs56887719, ClinGen allele CA382523861.

ClinVar aggregate classification (germline): Uncertain significance (1 of 4 stars; one submission).

Conditions:
Ataxia-telangiectasia syndrome (AT). Also called: Cerebello-oculocutaneous telangiectasia; Immunodeficiency with ataxia telangiectasia; Ataxia-telangiectasia, complementation group E; Ataxia-telangiectasia, complementation group D; AT, COMPLEMENTATION GROUP C; ATAXIA-TELANGIECTASIA, COMPLEMENTATION GROUP A. Identifiers: Orphanet 100, MedGen C0004135, MONDO:0008840, OMIM 208900.

Submission:

Labcorp Genetics (formerly Invitae), Labcorp
Classification: Uncertain significance for Ataxia-telangiectasia syndrome. Last evaluated: 2017-10-31. Review status: criteria provided, single submitter. Criteria: Invitae Variant Classification Sherloc (09022015). Collection method: clinical testing. Allele origin: germline.
Comment: In summary, the available evidence is currently insufficient to determine the role of this variant in disease. Therefore, it has been classified as a Variant of Uncertain Significance. Algorithms developed to predict the effect of missense changes on protein structure and function (SIFT, PolyPhen-2, Align-GVGD) all suggest that this variant is likely to be disruptive, but these predictions have not been confirmed by published functional studies and their clinical significance is uncertain. This variant has not been reported in the literature in individuals with ATM-related disease. This variant is not present in population databases (ExAC no frequency). This sequence change replaces proline with histidine at codon 2907 of the ATM protein (p.Pro2907His). The proline residue is highly conserved and there is a moderate physicochemical difference between proline and histidine.